The following is an entry in ClinVar:

NM_001288705.3(CSF1R):c.2471C>T (p.Pro824Leu)

Gene: CSF1R (colony stimulating factor 1 receptor; minus strand). Cytogenetic location: 5q32.
Variant type: single nucleotide variant.
Coding change: c.2471C>T on transcript NM_001288705.3 (MANE Select); coding-DNA position 2471, C replaced by T.
Protein change: p.Pro824Leu; replaces proline 824 with leucine.
Molecular consequence: missense variant. On other transcripts: non-coding transcript variant (2).
Genome position (GRCh38, 1-based): chr5:150,056,109, G>A on the plus strand (C>T on the coding strand, the complement: CSF1R is on the minus strand). VCF-style: chr5-150056109-G-A. GRCh37 (hg19) VCF-style: chr5-149435672-G-A.
Other names: NP_001275634.1: p.Pro824Leu; c.2471C>T, p.Pro824Leu (NM_001349736.2, NM_001375320.1, NM_005211.4); c.2027C>T, p.Pro676Leu (NM_001375321.1); short protein forms P676L, P824L.
Identifiers: ClinVar variation 2575888 (VCV002575888.2), dbSNP rs1757203198, ClinGen allele CA361758560.

ClinVar aggregate classification (germline): Pathogenic. Review status: criteria provided, single submitter (1 of 4 stars). 2 submissions from 1 submitter: Pathogenic (1). 1 of the submissions does not count toward it. Last evaluated 2023-08-09.

Conditions:
Brain abnormalities, neurodegeneration, and dysosteosclerosis. Identifiers: MedGen C5193117, MONDO:0032772, OMIM 618476.
Leukoencephalopathy, diffuse hereditary, with spheroids 1 (HDLS1). Also called: DEMENTIA, FAMILIAL, NEUMANN TYPE; SUBCORTICAL GLIOSIS OF NEUMANN; CSF1R-related adult-onset leukoencephalopathy with axonal spheroids and pigmented glia. Identifiers: Orphanet 313808, MedGen C5561929, MONDO:0800027, OMIM 221820.

Submissions (2):

Neurology Laboratory, National Cheng Kung University Hospital
Classification: Pathogenic for Leukoencephalopathy, diffuse hereditary, with spheroids 1. Last evaluated: 2023-08-09. Review status: criteria provided, single submitter. Criteria: ACMG Guidelines, 2015. Collection method: clinical testing. Allele origin: germline. Affected: yes. Observed: 1 variant allele.

Neurology Laboratory, National Cheng Kung University Hospital
Classification: Pathogenic for Brain abnormalities, neurodegeneration, and dysosteosclerosis; Leukoencephalopathy, diffuse hereditary, with spheroids 1. Last evaluated: 2021-12-01. Review status: no assertion criteria provided. Collection method: research. Allele origin: germline. Affected: yes. Not counted in ClinVar's aggregate classification.
Comment: The CSF1R c.2471C>T variant results in a proline to leucine substitution at codon 824 of the protein (p.Pro824Leu). The results of SIFT / PolyPhen-2 analysis were interpreted as damaging / probably damaging.

heterozygote, missense variant